The following is an entry in ClinVar:

ClinVar aggregate classification (germline): Pathogenic (1 of 4 stars; one submission).

Conditions:
Retinoblastoma (RB1). Also called: RETINOBLASTOMA, SOMATIC. Identifiers: Orphanet 790, MedGen C0035335, MeSH D012175, MONDO:0008380, OMIM 180200, HP:0009919. Disease mechanism: loss of function. Inheritance: Both sporadic and heritable forms are tested..

Submission:

Labcorp Genetics (formerly Invitae), Labcorp
Classification: Pathogenic for Retinoblastoma. Last evaluated: 2023-04-29. Review status: criteria provided, single submitter. Criteria: Invitae Variant Classification Sherloc (09022015). Collection method: clinical testing. Allele origin: germline.
Comment: For these reasons, this variant has been classified as Pathogenic. A similar copy number variant has been observed in individual(s) with retinoblastoma (PMID: 33456302; Invitae). This variant results in a copy number gain of the genomic region encompassing exon(s) 18-23 of the RB1 gene. While the exact position of this variant cannot be determined from the data, sub-genic copy number gains are generally in tandem (PMID: 25640679). This variant is predicted to be out-of-frame, and may result in an absent or disrupted protein product. Loss-of-function variants in RB1 are known to be pathogenic (PMID: 17096365).

Literature cited by the submitters: PubMed 33456302; PubMed 25640679; PubMed 17096365.

NC_000013.10:g.(?_48985727)_(49039514_?)dup

Genes: LPAR6 (lysophosphatidic acid receptor 6; minus strand), RB1 (RB transcriptional corepressor 1; plus strand). Cytogenetic location: 13q14.2.
Variant type: Duplication.
Identifiers: ClinVar variation 1071014 (VCV001071014.7).